The following is an entry in ClinVar:

ClinVar aggregate classification (germline): Conflicting classifications of pathogenicity. Review status: criteria provided, conflicting classifications (1 of 4 stars). 4 submissions from 4 submitters: Uncertain significance (1); Likely benign (2). 1 of the submissions does not count toward it. Last evaluated 2026-01-28.

Conditions:
FAH-related disorder. Also called: FAH-related condition.
Tyrosinemia type I (TYRSN1). Also called: Tyrosinemia type 1; Fumarylacetoacetase deficiency; Deficiency of fumarylacetoacetase; FAH DEFICIENCY; HEPATORENAL TYROSINEMIA. Identifiers: Orphanet 882, MedGen C0268490, MONDO:0010161, OMIM 276700. Disease mechanism: loss of function.

Allele frequency attached by ClinVar (database versions not stated): gnomAD 0.00006; TOPMed 0.00009; ExAC 0.00011; gnomAD exomes 0.00011 and 0.00022.
gnomAD v4.1: 67 of 1,614,100 alleles (0.0042%); highest among the groups gnomAD compares: Admixed American, 0.11%; no homozygotes.

Submissions (4):

Labcorp Genetics (formerly Invitae), Labcorp
Classification: Likely benign for Tyrosinemia type I. Last evaluated: 2026-01-28. Review status: criteria provided, single submitter. Criteria: Invitae Variant Classification Sherloc (09022015). Collection method: clinical testing. Allele origin: germline.

PreventionGenetics, part of Exact Sciences
Classification: Likely benign for FAH-related condition. Last evaluated: 2025-03-21. Review status: criteria provided, single submitter. Criteria: ACMG Guidelines, 2015. Collection method: clinical testing. Allele origin: germline.
Comment: This variant is classified as likely benign based on ACMG/AMP sequence variant interpretation guidelines (Richards et al. 2015 PMID: 25741868, with internal and published modifications).

Eurofins Ntd Llc (ga)
Classification: Uncertain significance. Last evaluated: 2018-05-17. Review status: criteria provided, single submitter. Criteria: EGL ClinVar v180209 classification definitions. Collection method: clinical testing. Allele origin: germline. Observed: 3 variant alleles, 3 heterozygotes.

Natera, Inc.
Classification: Uncertain significance for Tyrosinemia type I. Last evaluated: 2020-04-19. Review status: no assertion criteria provided. Collection method: clinical testing. Allele origin: germline. Not counted in ClinVar's aggregate classification.

NM_000137.4(FAH):c.302A>G (p.Glu101Gly)

Gene: FAH (fumarylacetoacetate hydrolase; plus strand). Cytogenetic location: 15q25.1.
Variant type: single nucleotide variant.
Coding change: c.302A>G on transcript NM_000137.4 (MANE Select); coding-DNA position 302, A replaced by G.
Protein change: p.Glu101Gly; replaces glutamic acid 101 with glycine.
Molecular consequence: missense variant.
Genome position (GRCh38, 1-based): chr15:80,159,865, A>G. VCF-style: chr15-80159865-A-G. GRCh37 (hg19) VCF-style: chr15-80452207-A-G.
Other names: c.302A>G, p.Glu101Gly (NM_001374377.1, NM_001374380.1); c.302A>G (NM_000137.2); short protein forms E101G.
Identifiers: ClinVar variation 288343 (VCV000288343.14), dbSNP rs758347578, ClinGen allele CA7691077.